The following is an entry in ClinVar:

NM_139276.3(STAT3):c.1169A>T (p.Asn390Ile)

Gene: STAT3 (signal transducer and activator of transcription 3; minus strand). Cytogenetic location: 17q21.2.
Variant type: single nucleotide variant.
Coding change: c.1169A>T on transcript NM_139276.3 (MANE Select); coding-DNA position 1169, A replaced by T.
Protein change: p.Asn390Ile; replaces asparagine 390 with isoleucine.
Molecular consequence: missense variant.
Genome position (GRCh38, 1-based): chr17:42,329,618, T>A on the plus strand (A>T on the coding strand, the complement: STAT3 is on the minus strand). VCF-style: chr17-42329618-T-A. GRCh37 (hg19) VCF-style: chr17-40481636-T-A.
Other names: c.1169A>T, p.Asn390Ile (NM_001369512.1, NM_001369513.1, NM_001369514.1 and 12 more transcripts); c.1091A>T, p.Asn364Ile (NM_001384985.1); c.1184A>T, p.Asn395Ile (NM_001384986.1, NM_001384990.1); c.1073A>T, p.Asn358Ile (NM_001384989.1); c.1109A>T, p.Asn370Ile (NM_001384992.1); short protein forms N358I, N370I, N390I, N395I, N364I.
Identifiers: ClinVar variation 2088155 (VCV002088155.4), dbSNP rs566350932, ClinGen allele CA399589006.
Genomic context (GRCh38, chr17:42,329,618, plus strand): 5'-TGTTTGAATTCTGCAGAGAGGCTGCCGTTGTTGGATTCTTCCATGTTCATCACTTTTGTG[T>A]TTGTGCCCAGAATGTTAAATTTCCGGGATCTGAATCACAGGGGAACAATCAACTATGTAG-3'
Protein context (NP_644805.1, residues 380-400): GSRKFNILGT[Asn390Ile]TKVMNMEESN

ClinVar aggregate classification (germline): Uncertain significance (1 of 4 stars; one submission).

Conditions:
STAT3 gain of function. Identifiers: MedGen C4288261.
Hyper-IgE recurrent infection syndrome 1, autosomal dominant. Also called: JOB SYNDROME; Job's Syndrome; STAT3 Hyper IgE Syndrome; Hyper-IgE recurrent infection syndrome 1; HYPER-IgE SYNDROME 1, AUTOSOMAL DOMINANT, WITH RECURRENT INFECTIONS. Identifiers: Orphanet 2314, MedGen C2936739, MONDO:0007818, OMIM 147060.

Submission:

Labcorp Genetics (formerly Invitae), Labcorp
Classification: Uncertain significance for STAT3 gain of function; Hyper-IgE recurrent infection syndrome 1, autosomal dominant. Last evaluated: 2022-01-19. Review status: criteria provided, single submitter. Criteria: Invitae Variant Classification Sherloc (09022015). Collection method: clinical testing. Allele origin: germline.
Comment: In summary, the available evidence is currently insufficient to determine the role of this variant in disease. Therefore, it has been classified as a Variant of Uncertain Significance. Advanced modeling of protein sequence and biophysical properties (such as structural, functional, and spatial information, amino acid conservation, physicochemical variation, residue mobility, and thermodynamic stability) performed at Invitae indicates that this missense variant is not expected to disrupt STAT3 protein function. This variant has not been reported in the literature in individuals affected with STAT3-related conditions. This variant is not present in population databases (gnomAD no frequency). This sequence change replaces asparagine, which is neutral and polar, with isoleucine, which is neutral and non-polar, at codon 390 of the STAT3 protein (p.Asn390Ile).